The following is an entry in ClinVar:

NM_005360.5(MAF):c.490_501del (p.Val164_Val167del)

Gene: MAF (MAF bZIP transcription factor; minus strand). Cytogenetic location: 16q23.2.
Variant type: Deletion.
Coding change: c.490_501del on transcript NM_005360.5 (MANE Select); coding-DNA positions 490 to 501, 12 bases deleted (GTGTCCGCCGTG).
Protein change: p.Val164_Val167del.
Molecular consequence: inframe deletion.
Genome position (GRCh38, 1-based): chr16:79,599,402-79,599,413, CACGGCGGACAC deleted on the plus strand (GTGTCCGCCGTG on the coding strand, the reverse complement: MAF is on the minus strand); deleting any 12 consecutive bases within chr16:79,599,402-79,599,421 gives the same sequence; the c. name uses the placement nearest the transcript's 3' end. VCF-style (leftmost placement, unchanged base first): chr16-79599401-TCACGGCGGACAC-T. GRCh37 (hg19) VCF-style: chr16-79633298-TCACGGCGGACAC-T.
Other names: c.490_501del, p.Val164_Val167del (NM_001031804.3).
Identifiers: ClinVar variation 2937201 (VCV002937201.3), dbSNP rs2507662433, ClinGen allele CA2634430826.
Genomic context (GRCh38, chr16:79,599,401, plus strand): 5'-CGTGGTGGTGGTGGTGGTGGTAGTGCGGGCCCGCGCCGCTCTGCGCGGCGGCCGCGGCGA[TCACGGCGGACAC>T]CACGGCGGCGGCGGGGCCCATCTCCTCGCCGCTGCCGCCCAAGGAGGCGCCGGCACCGGC-3'

ClinVar aggregate classification (germline): Uncertain significance (1 of 4 stars; one submission).

Conditions:
Cataract 21 multiple types. Also called: CATARACT 21, MULTIPLE TYPES, WITH OR WITHOUT MICROCORNEA; CATARACT 21, CERULEAN, WITH OR WITHOUT MICROCORNEA; CATARACT 21, MULTIPLE TYPES, WITH MICROCORNEA; Cataract, congenital, cerulean type, 4. Identifiers: Orphanet 91492, MedGen C1857768, MONDO:0012437, OMIM 610202.
Ayme-Gripp syndrome. Also called: Aymé-Gripp Syndrome. Identifiers: MedGen C1832812, MONDO:0010992, OMIM 601088.

Submission:

Labcorp Genetics (formerly Invitae), Labcorp
Classification: Uncertain significance for Cataract 21 multiple types; Ayme-Gripp syndrome. Last evaluated: 2023-06-30. Review status: criteria provided, single submitter. Criteria: Invitae Variant Classification Sherloc (09022015). Collection method: clinical testing. Allele origin: germline.
Comment: This variant, c.490_501del, results in the deletion of 4 amino acid(s) of the MAF protein (p.Val164_Val167del), but otherwise preserves the integrity of the reading frame. The frequency data for this variant in the population databases is considered unreliable, as metrics indicate insufficient coverage at this position in the gnomAD database. This variant has not been reported in the literature in individuals affected with MAF-related conditions. Experimental studies and prediction algorithms are not available or were not evaluated, and the functional significance of this variant is currently unknown. In summary, the available evidence is currently insufficient to determine the role of this variant in disease. Therefore, it has been classified as a Variant of Uncertain Significance.